The following is an entry in ClinVar:

ClinVar aggregate classification (germline): Likely benign (1 of 4 stars; one submission).

Allele frequency attached by ClinVar (database versions not stated): gnomAD 0.00497 and 0.00537; TOPMed 0.00586; 1000 Genomes Project 0.00699; 1000 Genomes Project 30x 0.00812.
gnomAD v4.1: 758 of 152,224 alleles (0.5%); highest among the groups gnomAD compares: African/African-American, 1.6%; 5 homozygotes.

Submission:

GeneDx
Classification: Likely benign. Last evaluated: 2018-06-16. Review status: criteria provided, single submitter. Criteria: GeneDx Variant Classification (06012015). Collection method: clinical testing. Allele origin: germline. Affected: yes.
Comment: This variant is considered likely benign or benign based on one or more of the following criteria: it is a conservative change, it occurs at a poorly conserved position in the protein, it is predicted to be benign by multiple in silico algorithms, and/or has population frequency not consistent with disease.

NM_000540.3(RYR1):c.2167+170C>T

Gene: RYR1 (ryanodine receptor 1; plus strand). Cytogenetic location: 19q13.2.
Variant type: single nucleotide variant.
Coding change: c.2167+170C>T on transcript NM_000540.3 (MANE Select); 170 bases into the intron after coding-DNA position 2167, C replaced by T.
Molecular consequence: intron variant.
Genome position (GRCh38, 1-based): chr19:38,458,462, C>T. VCF-style: chr19-38458462-C-T. GRCh37 (hg19) VCF-style: chr19-38949102-C-T.
Other names: c.2167+170C>T (NM_001042723.2).
Identifiers: ClinVar variation 679970 (VCV000679970.1), dbSNP rs73554237, ClinGen allele CA308126090.